The following is an entry in ClinVar:

ClinVar aggregate classification (germline): Likely benign (1 of 4 stars; one submission).

Submission:

CeGaT Center for Human Genetics Tuebingen
Classification: Likely benign. Last evaluated: 2026-08-01. Review status: criteria provided, single submitter. Criteria: CeGaT Center For Human Genetics Tuebingen Variant Classification Criteria Version 2. Collection method: clinical testing. Allele origin: germline. Affected: yes. Observed: 5 variant alleles.
Comment: RNU4-2: BS1

NR_003137.3(RNU4-2):n.141A>G

Gene: RNU4-2 (RNA, U4 small nuclear 2; minus strand). Cytogenetic location: 12q24.23.
Variant type: single nucleotide variant.
Molecular consequence: non-coding transcript variant (on NR_003137.3).
Genome position: GRCh38 VCF-style: chr12-120291763-T-C. GRCh37 (hg19) VCF-style: chr12-120729566-T-C.
Identifiers: ClinVar variation 4822640 (VCV004822640.4).